The following is an entry in ClinVar:

NM_002128.7(HMGB1):c.*2262G>A

Gene: HMGB1 (high mobility group box 1; minus strand). Cytogenetic location: 13q12.3.
Variant type: single nucleotide variant.
Coding change: c.*2262G>A on transcript NM_002128.7 (MANE Select); 2262 bases downstream of the stop codon, G replaced by A.
Molecular consequence: 3 prime UTR variant.
Genome position (GRCh38, 1-based): chr13:30,459,095, C>T on the plus strand (G>A on the coding strand, the complement: HMGB1 is on the minus strand). VCF-style: chr13-30459095-C-T. GRCh37 (hg19) VCF-style: chr13-31033232-C-T.
Other names: c.*2262G>A (NM_001313892.2, NM_001313893.1, NM_001370340.1 and 1 more transcripts); c.*2483G>A (NM_001363661.2); c.*2588G>A (NM_001370339.1).
Identifiers: ClinVar variation 1250264 (VCV001250264.3), dbSNP rs1045411, ClinGen allele CA15773633.

ClinVar aggregate classification (germline): Benign. Review status: criteria provided, multiple submitters, no conflicts (2 of 4 stars). 2 submissions from 2 submitters: Benign (2). Last evaluated 2019-01-10.

Allele frequency attached by ClinVar (database versions not stated): 1000 Genomes Project 30x 0.15818; 1000 Genomes Project 0.15954; TOPMed 0.18223; gnomAD 0.20185 and 0.20322.

Submissions (2):

GeneDx
Classification: Benign. Last evaluated: 2019-01-10. Review status: criteria provided, single submitter. Criteria: GeneDx Variant Classification Process June 2021. Collection method: clinical testing. Allele origin: germline. Affected: yes.
Comment: This variant is associated with the following publications: (PMID: 28423715)

Breakthrough Genomics
Classification: Benign. Review status: criteria provided, single submitter. Criteria: ACMG Guidelines, 2015. Collection method: not provided. Allele origin: germline. Inheritance: Unknown mechanism. Affected: yes.